The following is an entry in ClinVar:

ClinVar aggregate classification (germline): Benign (1 of 4 stars; one submission).

Allele frequency attached by ClinVar (database versions not stated): TOPMed 0.39868; gnomAD 0.39993 and 0.41947; 1000 Genomes Project 30x 0.51983; 1000 Genomes Project 0.53115.
gnomAD v4.1: 63,808 of 151,988 alleles (42%); highest among the groups gnomAD compares: East Asian, 86%; 15,751 homozygotes.

Submission:

GeneDx
Classification: Benign. Last evaluated: 2018-06-14. Review status: criteria provided, single submitter. Criteria: GeneDx Variant Classification (06012015). Collection method: clinical testing. Allele origin: germline. Affected: yes.
Comment: This variant is considered likely benign or benign based on one or more of the following criteria: it is a conservative change, it occurs at a poorly conserved position in the protein, it is predicted to be benign by multiple in silico algorithms, and/or has population frequency not consistent with disease.

NM_032340.4(UQCC2):c.138+265T>C

Gene: UQCC2 (ubiquinol-cytochrome c reductase complex assembly factor 2; minus strand). Cytogenetic location: 6p21.31.
Variant type: single nucleotide variant.
Coding change: c.138+265T>C on transcript NM_032340.4 (MANE Select); 265 bases into the intron after coding-DNA position 138, T replaced by C.
Molecular consequence: intron variant.
Genome position (GRCh38, 1-based): chr6:33,711,284, A>G on the plus strand (T>C on the coding strand, the complement: UQCC2 is on the minus strand). VCF-style: chr6-33711284-A-G. GRCh37 (hg19) VCF-style: chr6-33679061-A-G.
Identifiers: ClinVar variation 669587 (VCV000669587.1), dbSNP rs4713666, ClinGen allele CA12189381.
Genomic context (GRCh38, chr6:33,711,284, plus strand): 5'-CCCAGGAGGTCATCCTGGGCTCAAGCGATCCTCCCGCCTCGGCCTCTCAAAGAGTGCTGG[A>G]ATTATAGGTGTGAACCGCCGCACCCGGCCCATCTGGAGTTTAAAAAAAGCTTCTTCGGCA-3'